The following is an entry in ClinVar:

NM_001399.5(EDA):c.562C>T (p.Pro188Ser)

Gene: EDA (ectodysplasin A; plus strand). Cytogenetic location: Xq13.1.
Variant type: single nucleotide variant.
Coding change: c.562C>T on transcript NM_001399.5 (MANE Select); coding-DNA position 562, C replaced by T.
Protein change: p.Pro188Ser; replaces proline 188 with serine.
Molecular consequence: missense variant.
Genome position (GRCh38, 1-based): chrX:70,027,892, C>T. VCF-style: chrX-70027892-C-T. GRCh37 (hg19) VCF-style: chrX-69247742-C-T.
Other names: c.562C>T, p.Pro188Ser (NM_001005609.2, NM_001005612.3); short protein forms P188S.
Identifiers: ClinVar variation 3730396 (VCV003730396.2).

ClinVar aggregate classification (germline): Uncertain significance (1 of 4 stars; one submission).

Conditions:
Hypohidrotic X-linked ectodermal dysplasia (XHED). Also called: ECTODERMAL DYSPLASIA 1; Christ-Siemans-Touraine syndrome; Anhidrotic ectodermal dysplasia X-linked; Christ Siemens Touraine syndrome; ECTODERMAL DYSPLASIA 1, HYPOHIDROTIC, X-LINKED; ECTODERMAL DYSPLASIA 1, HYPOHIDROTIC/HAIR/TOOTH TYPE, X-LINKED. Identifiers: Orphanet 181, Orphanet 238468, MedGen C0162359, MONDO:0010585, OMIM 305100.

gnomAD v4.1: 9 of 1,088,433 alleles (0.00083%); highest among the groups gnomAD compares: Non-Finnish European, 0.0011%; no homozygotes.

Submission:

Labcorp Genetics (formerly Invitae), Labcorp
Classification: Uncertain significance for Hypohidrotic X-linked ectodermal dysplasia. Last evaluated: 2025-04-11. Review status: criteria provided, single submitter. Criteria: Invitae Variant Classification Sherloc (09022015). Collection method: clinical testing. Allele origin: germline.
Comment: This sequence change replaces proline, which is neutral and non-polar, with serine, which is neutral and polar, at codon 188 of the EDA protein (p.Pro188Ser). This variant is not present in population databases (gnomAD no frequency). This variant has not been reported in the literature in individuals affected with EDA-related conditions. ClinVar contains an entry for this variant (Variation ID: 3730396). Invitae Evidence Modeling of protein sequence and biophysical properties (such as structural, functional, and spatial information, amino acid conservation, physicochemical variation, residue mobility, and thermodynamic stability) indicates that this missense variant is not expected to disrupt EDA protein function with a negative predictive value of 80%. In summary, the available evidence is currently insufficient to determine the role of this variant in disease. Therefore, it has been classified as a Variant of Uncertain Significance.